The following is an entry in ClinVar:

NM_032043.3(BRIP1):c.3558A>G (p.Lys1186=)

Gene: BRIP1 (BRCA1 interacting DNA helicase 1; minus strand). Cytogenetic location: 17q23.2.
Variant type: single nucleotide variant.
Coding change: c.3558A>G on transcript NM_032043.3 (MANE Select); coding-DNA position 3558, A replaced by G.
Protein change: p.Lys1186=; no amino-acid change (lysine 1186 retained).
Molecular consequence: synonymous variant.
Genome position (GRCh38, 1-based): chr17:61,683,488, T>C on the plus strand (A>G on the coding strand, the complement: BRIP1 is on the minus strand). VCF-style: chr17-61683488-T-C. GRCh37 (hg19) VCF-style: chr17-59760849-T-C.
Identifiers: ClinVar variation 479455 (VCV000479455.16), dbSNP rs1555572529, ClinGen allele CA501335241.

ClinVar aggregate classification (germline): Benign/Likely benign. Review status: criteria provided, multiple submitters, no conflicts (2 of 4 stars). 3 submissions from 3 submitters: Benign (1); Likely benign (2). Last evaluated 2025-05-27.

Conditions:
Hereditary cancer-predisposing syndrome. Also called: Tumor predisposition; Neoplastic Syndromes, Hereditary; Hereditary Cancer Syndrome; Hereditary neoplastic syndrome. Identifiers: Orphanet 140162, MedGen C0027672, MeSH D009386, MONDO:0015356.
Fanconi anemia complementation group J. Also called: BRIP1-Related Fanconi Anemia. Identifiers: Orphanet 84, MedGen C1836860, MONDO:0012187, OMIM 609054.
Familial cancer of breast. Also called: BREAST CANCER, FAMILIAL; Hereditary breast cancer; hereditary breast carcinoma. Identifiers: Orphanet 227535, MedGen C0346153, MONDO:0016419, OMIM 114480. Disease mechanism: loss of function.

Submissions (3):

Labcorp Genetics (formerly Invitae), Labcorp
Classification: Likely benign for Familial cancer of breast; Fanconi anemia complementation group J. Last evaluated: 2025-05-27. Review status: criteria provided, single submitter. Criteria: Invitae Variant Classification Sherloc (09022015). Collection method: clinical testing. Allele origin: germline.

Myriad Genetics, Inc.
Classification: Benign for Familial cancer of breast. Last evaluated: 2024-09-10. Review status: criteria provided, single submitter. Criteria: Myriad Autosomal Dominant, Autosomal Recessive and X-Linked Classification Criteria (2023). Collection method: clinical testing. Allele origin: unknown.
Comment: This variant is considered benign. This variant is a silent/synonymous amino acid change and it is not expected to impact splicing.

Ambry Genetics
Classification: Likely benign for Hereditary cancer-predisposing syndrome. Last evaluated: 2016-11-11. Review status: criteria provided, single submitter. Criteria: Ambry Variant Classification Scheme 2023. Collection method: clinical testing. Allele origin: germline.